The following is an entry in ClinVar:

NM_003005.4(SELP):c.1794C>T (p.Cys598=)

Gene: SELP (selectin P; minus strand). Cytogenetic location: 1q24.2.
Variant type: single nucleotide variant.
Coding change: c.1794C>T on transcript NM_003005.4 (MANE Select); coding-DNA position 1794, C replaced by T.
Protein change: p.Cys598=; no amino-acid change (cysteine 598 retained).
Molecular consequence: synonymous variant.
Genome position (GRCh38, 1-based): chr1:169,597,088, G>A on the plus strand (C>T on the coding strand, the complement: SELP is on the minus strand). VCF-style: chr1-169597088-G-A. GRCh37 (hg19) VCF-style: chr1-169566326-G-A.
Identifiers: ClinVar variation 3056728 (VCV003056728.2), dbSNP rs6135, ClinGen allele CA1235027.

ClinVar aggregate classification (germline): Benign (0 of 4 stars; one submission).

Conditions:
SELP-related disorder. Also called: SELP-related condition.

Allele frequency attached by ClinVar (database versions not stated): gnomAD exomes 0.11666; ExAC 0.12723; 1000 Genomes Project 0.21925; gnomAD 0.23058; 1000 Genomes Project 30x 0.23235; TOPMed 0.25159; ESP Exome Variant Server 0.26365.
gnomAD v4.1: 205,672 of 1,607,158 alleles (13%); highest among the groups gnomAD compares: African/African-American, 56%; 22,084 homozygotes.

Submission:

PreventionGenetics, part of Exact Sciences
Classification: Benign for SELP-related condition. Last evaluated: 2019-11-06. Review status: no assertion criteria provided. Collection method: clinical testing. Allele origin: germline.
Comment: This variant is classified as benign based on ACMG/AMP sequence variant interpretation guidelines (Richards et al. 2015 PMID: 25741868, with internal and published modifications).